The following is an entry in ClinVar:

ClinVar aggregate classification (germline): Uncertain significance (1 of 4 stars; one submission).

Conditions:
Myopathy, centronuclear, 2 (CNM2). Also called: MYOTUBULAR MYOPATHY, AUTOSOMAL RECESSIVE. Identifiers: Orphanet 169186, MedGen CN031787, MONDO:0009709, OMIM 255200.

Submission:

Labcorp Genetics (formerly Invitae), Labcorp
Classification: Uncertain significance for Myopathy, centronuclear, 2. Last evaluated: 2024-04-25. Review status: criteria provided, single submitter. Criteria: Invitae Variant Classification Sherloc (09022015). Collection method: clinical testing. Allele origin: germline.
Comment: This sequence change replaces arginine, which is basic and polar, with glycine, which is neutral and non-polar, at codon 97 of the BIN1 protein (p.Arg97Gly). This variant is present in population databases (no rsID available, gnomAD 0.007%). This variant has not been reported in the literature in individuals affected with BIN1-related conditions. Advanced modeling of protein sequence and biophysical properties (such as structural, functional, and spatial information, amino acid conservation, physicochemical variation, residue mobility, and thermodynamic stability) performed at Invitae indicates that this missense variant is not expected to disrupt BIN1 protein function with a negative predictive value of 80%. In summary, the available evidence is currently insufficient to determine the role of this variant in disease. Therefore, it has been classified as a Variant of Uncertain Significance.

NM_139343.3(BIN1):c.289A>G (p.Arg97Gly)

Gene: BIN1 (bridging integrator 1; minus strand). Cytogenetic location: 2q14.3.
Variant type: single nucleotide variant.
Coding change: c.289A>G on transcript NM_139343.3 (MANE Select); coding-DNA position 289, A replaced by G.
Protein change: p.Arg97Gly; replaces arginine 97 with glycine.
Molecular consequence: missense variant.
Genome position (GRCh38, 1-based): chr2:127,070,579, T>C on the plus strand (A>G on the coding strand, the complement: BIN1 is on the minus strand). VCF-style: chr2-127070579-T-C. GRCh37 (hg19) VCF-style: chr2-127828155-T-C.
Other names: c.289A>G, p.Arg97Gly (NM_001320632.2, NM_001320633.2, NM_001320640.2 and 10 more transcripts); c.217A>G, p.Arg73Gly (NM_001320634.1); c.208A>G, p.Arg70Gly (NM_001320642.1); short protein forms R70G, R73G, R97G.
Identifiers: ClinVar variation 3670785 (VCV003670785.2).
Genomic context (GRCh38, chr2:127,070,579, plus strand): 5'-CTGAGAAGGGCAGGCCCACCTGTCCCATGCTCACCTCTGCGATCTTGTTTGCCTCATCCC[T>C]GCCGGGCCAATCGGGCTCATACACCTCCTGCAGACACTCATTCAGCTTCTTGGAAGCCTC-3'
Protein context (NP_647593.1, residues 87-107): QEVYEPDWPG[Arg97Gly]DEANKIAENN